The following is an entry in ClinVar:

NM_000077.5(CDKN2A):c.373G>A (p.Asp125Asn)

Gene: CDKN2A (cyclin dependent kinase inhibitor 2A; minus strand). Cytogenetic location: 9p21.3.
Variant type: single nucleotide variant.
Coding change: c.373G>A on transcript NM_000077.5; coding-DNA position 373, G replaced by A.
Protein change: p.Asp125Asn; replaces aspartic acid 125 with asparagine.
Molecular consequence: missense variant (on NM_000077.6). On other transcripts: 3 prime UTR variant (2).
Genome position (GRCh38, 1-based): chr9:21,970,986, C>T on the plus strand (G>A on the coding strand, the complement: CDKN2A is on the minus strand). VCF-style: chr9-21970986-C-T. GRCh37 (hg19) VCF-style: chr9-21970985-C-T.
Other names: c.373G>A, p.Asp125Asn (NM_000077.6, NM_001195132.2); c.220G>A, p.Asp74Asn (NM_001363763.2); c.*17G>A (NM_058195.4); c.*296G>A (NM_058197.5); short protein forms D125N, D74N.
Identifiers: ClinVar variation 858988 (VCV000858988.14), dbSNP rs146179135, ClinGen allele CA373085962.

ClinVar aggregate classification (germline): Uncertain significance. Review status: criteria provided, multiple submitters, no conflicts (2 of 4 stars). 4 submissions from 4 submitters: Uncertain significance (4). Last evaluated 2025-11-25.

Conditions:
Familial melanoma. Also called: Hereditary melanoma; Hereditary cutaneous melanoma. Identifiers: Orphanet 618, MedGen C1512419, MONDO:0018961.
Hereditary cancer-predisposing syndrome. Also called: Neoplastic Syndromes, Hereditary; Tumor predisposition; Hereditary Cancer Syndrome; Hereditary neoplastic syndrome. Identifiers: Orphanet 140162, MedGen C0027672, MeSH D009386, MONDO:0015356.

Allele frequency attached by ClinVar (database versions not stated): TOPMed 0.00001.
gnomAD v4.1: 2 of 1,610,302 alleles (0.00012%); highest among the groups gnomAD compares: Non-Finnish European, 0.00017%; no homozygotes.

Submissions (4):

Labcorp Genetics (formerly Invitae), Labcorp
Classification: Uncertain significance for Familial melanoma. Last evaluated: 2025-11-25. Review status: criteria provided, single submitter. Criteria: Invitae Variant Classification Sherloc (09022015). Collection method: clinical testing. Allele origin: germline.
Comment: This sequence change replaces aspartic acid, which is acidic and polar, with asparagine, which is neutral and polar, at codon 125 of the CDKN2A (p16INK4a) protein (p.Asp125Asn). This variant is not present in population databases (gnomAD no frequency). This variant has not been reported in the literature in individuals affected with CDKN2A (p16INK4a)-related conditions. ClinVar contains an entry for this variant (Variation ID: 858988). An algorithm developed to predict the effect of missense changes on protein structure and function (PolyPhen-2) suggests that this variant is likely to be tolerated. In summary, the available evidence is currently insufficient to determine the role of this variant in disease. Therefore, it has been classified as a Variant of Uncertain Significance.

Color Diagnostics, LLC DBA Color Health
Classification: Uncertain significance for Hereditary cancer-predisposing syndrome. Last evaluated: 2025-10-09. Review status: criteria provided, single submitter. Criteria: ACMG Guidelines, 2015. Collection method: clinical testing. Allele origin: germline.
Comment: The CDKN2A locus encodes two different gene products, p16INK4a and p14ARF. This variant is located in the CDKN2A (p16INK4A) protein. Computational prediction suggests that this variant may not impact protein structure and function. To our knowledge, functional studies have not been reported for this variant. This variant has not been reported in individuals affected with CDKN2A-related disorders in the literature. This variant has been identified in 2/1610302 chromosomes in the general population by the Genome Aggregation Database (gnomAD). The available evidence is insufficient to determine the role of this variant in disease conclusively. Therefore, this variant is classified as a Variant of Uncertain Significance.

Ambry Genetics
Classification: Uncertain significance for Hereditary cancer-predisposing syndrome. Last evaluated: 2025-05-02. Review status: criteria provided, single submitter. Criteria: Ambry Variant Classification Scheme 2023. Collection method: clinical testing. Allele origin: germline.
Comment: The p.D125N variant (also known as c.373G>A), located in coding exon 2 of the CDKN2A gene, results from a G to A substitution at nucleotide position 373. The aspartic acid at codon 125 is replaced by asparagine, an amino acid with highly similar properties. This amino acid position is poorly conserved in available vertebrate species. In addition, the in silico prediction for this alteration is inconclusive. Since supporting evidence is limited at this time, the clinical significance of this alteration remains unclear.

Center for Genomic Medicine, Rigshospitalet, Copenhagen University Hospital
Classification: Uncertain significance. Last evaluated: 2025-03-04. Review status: criteria provided, single submitter. Criteria: ACMG Guidelines, 2015. Collection method: clinical testing. Allele origin: germline.